The following is an entry in ClinVar:

NM_000498.3(CYP11B2):c.1399G>A (p.Val467Met)

Genes: CYP11B2 (cytochrome P450 family 11 subfamily B member 2; minus strand), LOC106799834 (CYP11B2 recombination region; plus strand). Cytogenetic location: 8q24.3.
Variant type: single nucleotide variant.
Coding change: c.1399G>A on transcript NM_000498.3 (MANE Select); coding-DNA position 1399, G replaced by A.
Protein change: p.Val467Met; replaces valine 467 with methionine.
Molecular consequence: missense variant.
Genome position (GRCh38, 1-based): chr8:142,912,093, C>T on the plus strand (G>A on the coding strand, the complement: CYP11B2 is on the minus strand). VCF-style: chr8-142912093-C-T. GRCh37 (hg19) VCF-style: chr8-143993509-C-T.
Other names: short protein forms V467M.
Identifiers: ClinVar variation 3007062 (VCV003007062.3), dbSNP rs1224336189, ClinGen allele CA372385628.

ClinVar aggregate classification (germline): Uncertain significance (1 of 4 stars; one submission).

Allele frequency attached by ClinVar (database versions not stated): gnomAD exomes 0.00001.

Submission:

Labcorp Genetics (formerly Invitae), Labcorp
Classification: Uncertain significance. Last evaluated: 2022-11-07. Review status: criteria provided, single submitter. Criteria: Invitae Variant Classification Sherloc (09022015). Collection method: clinical testing. Allele origin: germline.
Comment: In summary, the available evidence is currently insufficient to determine the role of this variant in disease. Therefore, it has been classified as a Variant of Uncertain Significance. Algorithms developed to predict the effect of sequence changes on RNA splicing suggest that this variant may disrupt the consensus splice site. Algorithms developed to predict the effect of missense changes on protein structure and function output the following: SIFT: "Tolerated"; PolyPhen-2: "Possibly Damaging"; Align-GVGD: "Class C0". The methionine amino acid residue is found in multiple mammalian species, which suggests that this missense change does not adversely affect protein function. This variant has not been reported in the literature in individuals affected with CYP11B2-related conditions. This variant is present in population databases (no rsID available, gnomAD 0.002%). This sequence change replaces valine, which is neutral and non-polar, with methionine, which is neutral and non-polar, at codon 467 of the CYP11B2 protein (p.Val467Met).